The following is an entry in ClinVar:

ClinVar aggregate classification (germline): Conflicting classifications of pathogenicity. Review status: criteria provided, conflicting classifications (1 of 4 stars). 6 submissions from 5 submitters: Uncertain significance (1); Benign (1); Likely benign (3). 1 of the submissions does not count toward it. Last evaluated 2026-09-01.

Conditions:
LTBP2-related disorder. Also called: LTBP2-related condition; LTBP2-related disorders.
Inborn genetic diseases. Identifiers: MedGen C0950123, MeSH D030342.
Glaucoma 3, primary congenital, D. Identifiers: Orphanet 98976, MedGen C2751316, MONDO:0013122, OMIM 613086.
Weill-Marchesani syndrome. Also called: WM Syndrome; Mesodermal dysmorphodystrophy congenital. Identifiers: Orphanet 3449, MedGen C0265313, MONDO:0018096.

Allele frequency attached by ClinVar (database versions not stated): 1000 Genomes Project 30x 0.00094; 1000 Genomes Project 0.00120; ESP Exome Variant Server 0.00353; gnomAD exomes 0.00472; gnomAD 0.00501 and 0.00528; TOPMed 0.00527; ExAC 0.00583.
gnomAD v4.1: 10,604 of 1,578,800 alleles (0.67%); highest among the groups gnomAD compares: Non-Finnish European, 0.82%; 50 homozygotes.

Submissions (6):

CeGaT Center for Human Genetics Tuebingen
Classification: Likely benign. Last evaluated: 2026-09-01. Review status: criteria provided, single submitter. Criteria: CeGaT Center For Human Genetics Tuebingen Variant Classification Criteria Version 2. Collection method: clinical testing. Allele origin: germline. Affected: yes. Observed: 11 variant alleles.
Comment: LTBP2: BP4, BP7, BS2

Labcorp Genetics (formerly Invitae), Labcorp
Classification: Benign. Last evaluated: 2026-02-02. Review status: criteria provided, single submitter. Criteria: Invitae Variant Classification Sherloc (09022015). Collection method: clinical testing. Allele origin: germline.

Ambry Genetics
Classification: Likely benign for Inborn genetic diseases. Last evaluated: 2025-01-16. Review status: criteria provided, single submitter. Criteria: Ambry Variant Classification Scheme 2023. Collection method: clinical testing. Allele origin: germline.

Illumina Laboratory Services, Illumina
Classification: Likely benign for Weill-Marchesani syndrome. Last evaluated: 2018-01-12. Review status: criteria provided, single submitter. Criteria: ICSL Variant Classification Criteria 13 December 2019. Collection method: clinical testing. Allele origin: germline.
Comment: This variant was observed in the ICSL laboratory as part of a predisposition screen in an ostensibly healthy population. It had not been previously curated by ICSL or reported in the Human Gene Mutation Database (HGMD: prior to June 1st, 2018), and was therefore a candidate for classification through an automated scoring system. Utilizing variant allele frequency, disease prevalence and penetrance estimates, and inheritance mode, an automated score was calculated to assess if this variant is too frequent to cause the disease. Based on the score and internal cut-off values, a variant classified as likely benign is not then subjected to further curation. The score for this variant resulted in a classification of likely benign for this disease.

Illumina Laboratory Services, Illumina
Classification: Uncertain significance for Glaucoma 3, primary congenital, D. Last evaluated: 2018-01-12. Review status: criteria provided, single submitter. Criteria: ICSL Variant Classification Criteria 13 December 2019. Collection method: clinical testing. Allele origin: germline.

PreventionGenetics, part of Exact Sciences
Classification: Benign for LTBP2-related condition. Last evaluated: 2019-09-13. Review status: no assertion criteria provided. Collection method: clinical testing. Allele origin: germline. Not counted in ClinVar's aggregate classification.
Comment: This variant is classified as benign based on ACMG/AMP sequence variant interpretation guidelines (Richards et al. 2015 PMID: 25741868, with internal and published modifications).

NM_000428.3(LTBP2):c.378C>T (p.Pro126=)

Gene: LTBP2 (latent transforming growth factor beta binding protein 2; minus strand). Cytogenetic location: 14q24.3.
Variant type: single nucleotide variant.
Coding change: c.378C>T on transcript NM_000428.3 (MANE Select); coding-DNA position 378, C replaced by T.
Protein change: p.Pro126=; no amino-acid change (proline 126 retained).
Molecular consequence: synonymous variant.
Genome position (GRCh38, 1-based): chr14:74,611,567, G>A on the plus strand (C>T on the coding strand, the complement: LTBP2 is on the minus strand). VCF-style: chr14-74611567-G-A. GRCh37 (hg19) VCF-style: chr14-75078270-G-A.
Identifiers: ClinVar variation 710368 (VCV000710368.39), dbSNP rs140842900, ClinGen allele CA7270216.